The following is an entry in ClinVar:

ClinVar aggregate classification (germline): Uncertain significance. Review status: criteria provided, multiple submitters, no conflicts (2 of 4 stars). 3 submissions from 3 submitters: Uncertain significance (3). Last evaluated 2025-06-11.

Conditions:
Hereditary cancer-predisposing syndrome. Also called: Tumor predisposition; Hereditary neoplastic syndrome; Hereditary Cancer Syndrome; Neoplastic Syndromes, Hereditary. Identifiers: Orphanet 140162, MedGen C0027672, MeSH D009386, MONDO:0015356.
Prostate cancer, hereditary, 9 (HPC9). Identifiers: Orphanet 1331, MedGen C1970250, MONDO:0012597, OMIM 610997.

gnomAD v4.1: 2 of 1,614,178 alleles (0.00012%); highest among the groups gnomAD compares: Non-Finnish European, 0.00017%; no homozygotes.

Submissions (3):

Labcorp Genetics (formerly Invitae), Labcorp
Classification: Uncertain significance. Last evaluated: 2025-06-11. Review status: criteria provided, single submitter. Criteria: Invitae Variant Classification Sherloc (09022015). Collection method: clinical testing. Allele origin: germline.
Comment: This sequence change replaces proline, which is neutral and non-polar, with arginine, which is basic and polar, at codon 134 of the HOXB13 protein (p.Pro134Arg). This variant is not present in population databases (gnomAD no frequency). This variant has not been reported in the literature in individuals affected with HOXB13-related conditions. ClinVar contains an entry for this variant (Variation ID: 936648). Invitae Evidence Modeling of protein sequence and biophysical properties (such as structural, functional, and spatial information, amino acid conservation, physicochemical variation, residue mobility, and thermodynamic stability) indicates that this missense variant is not expected to disrupt HOXB13 protein function with a negative predictive value of 80%. In summary, the available evidence is currently insufficient to determine the role of this variant in disease. Therefore, it has been classified as a Variant of Uncertain Significance.

Ambry Genetics
Classification: Uncertain significance for Hereditary cancer-predisposing syndrome. Last evaluated: 2025-04-18. Review status: criteria provided, single submitter. Criteria: Ambry Variant Classification Scheme 2023. Collection method: clinical testing. Allele origin: germline.
Comment: The p.P134R variant (also known as c.401C>G), located in coding exon 1 of the HOXB13 gene, results from a C to G substitution at nucleotide position 401. The proline at codon 134 is replaced by arginine, an amino acid with dissimilar properties. This amino acid position is conserved. In addition, the in silico prediction for this alteration is inconclusive. Since supporting evidence is limited at this time, the clinical significance of this alteration remains unclear.

Fulgent Genetics
Classification: Uncertain significance for Prostate cancer, hereditary, 9. Last evaluated: 2024-06-20. Review status: criteria provided, single submitter. Criteria: ACMG Guidelines, 2015. Collection method: clinical testing. Allele origin: germline.

NM_006361.6(HOXB13):c.401C>G (p.Pro134Arg)

Gene: HOXB13 (homeobox B13; minus strand). Cytogenetic location: 17q21.32.
Variant type: single nucleotide variant.
Coding change: c.401C>G on transcript NM_006361.6 (MANE Select); coding-DNA position 401, C replaced by G.
Protein change: p.Pro134Arg; replaces proline 134 with arginine.
Molecular consequence: missense variant.
Genome position (GRCh38, 1-based): chr17:48,728,193, G>C on the plus strand (C>G on the coding strand, the complement: HOXB13 is on the minus strand). VCF-style: chr17-48728193-G-C. GRCh37 (hg19) VCF-style: chr17-46805555-G-C.
Other names: short protein forms P134R.
Identifiers: ClinVar variation 936648 (VCV000936648.14), dbSNP rs1597934280, ClinGen allele CA400107531.